The following is an entry in ClinVar:

NM_006230.4(POLD2):c.1358C>T (p.Ser453Leu)

Gene: POLD2 (DNA polymerase delta 2, accessory subunit; minus strand). Cytogenetic location: 7p13.
Variant type: single nucleotide variant.
Coding change: c.1358C>T on transcript NM_006230.4 (MANE Select); coding-DNA position 1358, C replaced by T.
Protein change: p.Ser453Leu; replaces serine 453 with leucine.
Molecular consequence: missense variant.
Genome position (GRCh38, 1-based): chr7:44,114,837, G>A on the plus strand (C>T on the coding strand, the complement: POLD2 is on the minus strand). VCF-style: chr7-44114837-G-A. GRCh37 (hg19) VCF-style: chr7-44154436-G-A.
Other names: c.1358C>T, p.Ser453Leu (NM_001127218.3, NM_001256879.2); short protein forms S453L.
Identifiers: ClinVar variation 2046717 (VCV002046717.4), dbSNP rs747819362, ClinGen allele CA4238541.

ClinVar aggregate classification (germline): Uncertain significance (1 of 4 stars; one submission).

Allele frequency attached by ClinVar (database versions not stated): gnomAD 0.00001; gnomAD exomes 0.00002; TOPMed 0.00002; ExAC 0.00003.

Submission:

Labcorp Genetics (formerly Invitae), Labcorp
Classification: Uncertain significance. Last evaluated: 2025-12-26. Review status: criteria provided, single submitter. Criteria: Invitae Variant Classification Sherloc (09022015). Collection method: clinical testing. Allele origin: germline.
Comment: This sequence change replaces serine, which is neutral and polar, with leucine, which is neutral and non-polar, at codon 488 of the POLD2 protein (p.Ser488Leu). This variant is present in population databases (rs747819362, gnomAD 0.007%). This variant has not been reported in the literature in individuals affected with POLD2-related conditions. ClinVar contains an entry for this variant (Variation ID: 2046717). Experimental studies and prediction algorithms are not available or were not evaluated, and the functional significance of this variant is currently unknown. In summary, the available evidence is currently insufficient to determine the role of this variant in disease. Therefore, it has been classified as a Variant of Uncertain Significance.